The following is an entry in ClinVar:

NM_001370475.1(SERPINB11):c.341C>T (p.Thr114Met)

Gene: SERPINB11 (serpin family B member 11; plus strand). Cytogenetic location: 18q21.33.
Variant type: single nucleotide variant.
Coding change: c.341C>T on transcript NM_001370475.1 (MANE Select); coding-DNA position 341, C replaced by T.
Protein change: p.Thr114Met; replaces threonine 114 with methionine.
Molecular consequence: missense variant. On other transcripts: 5 prime UTR variant (1).
Genome position (GRCh38, 1-based): chr18:63,712,677, C>T. VCF-style: chr18-63712677-C-T. GRCh37 (hg19) VCF-style: chr18-61379911-C-T.
Other names: c.341C>T, p.Thr114Met (NM_001291278.2, NM_080475.5); c.-67C>T (NM_001291279.2); short protein forms T114M.
Identifiers: ClinVar variation 2648795 (VCV002648795.24), dbSNP rs193224810, ClinGen allele CA8988966.
Genomic context (GRCh38, chr18:63,712,677, plus strand): 5'-TCAACCAGCCAGACTCTAACTGTACCCTCAGCATTGCCAACAGGCTCTACGGGACAAAGA[C>T]GATGGCATTTCATCAGGTAAGTCCATTTGGAAGAGTGATCAACAACTTTCTTGGCGTCCT-3'
Protein context (NP_001357404.1, residues 104-124): SIANRLYGTK[Thr114Met]MAFHQQYLSC

ClinVar aggregate classification (germline): Likely benign (1 of 4 stars; one submission).

Allele frequency attached by ClinVar (database versions not stated): ESP Exome Variant Server 0.00017; TOPMed 0.00053; gnomAD 0.00068; 1000 Genomes Project 30x 0.00109; 1000 Genomes Project 0.00120; gnomAD exomes 0.00121; ExAC 0.00181.
gnomAD v4.1: 1,891 of 1,613,604 alleles (0.12%); highest among the groups gnomAD compares: South Asian, 0.99%; 13 homozygotes.

Submission:

CeGaT Center for Human Genetics Tuebingen
Classification: Likely benign. Last evaluated: 2022-10-01. Review status: criteria provided, single submitter. Criteria: CeGaT Center For Human Genetics Tuebingen Variant Classification Criteria Version 2. Collection method: clinical testing. Allele origin: germline. Affected: yes. Observed: 1 variant allele.
Comment: SERPINB11: BP4, BS2